The following is an entry in ClinVar:

ClinVar aggregate classification (germline): Uncertain significance. Review status: criteria provided, multiple submitters, no conflicts (2 of 4 stars). 3 submissions from 3 submitters: Uncertain significance (3). Last evaluated 2026-01-26.

Allele frequency attached by ClinVar (database versions not stated): gnomAD exomes 0.00008; ExAC 0.00012; gnomAD 0.00020 and 0.00024; TOPMed 0.00026; ESP Exome Variant Server 0.00038.

Submissions (3):

Labcorp Genetics (formerly Invitae), Labcorp
Classification: Uncertain significance. Last evaluated: 2026-01-26. Review status: criteria provided, single submitter. Criteria: Invitae Variant Classification Sherloc (09022015). Collection method: clinical testing. Allele origin: germline.
Comment: This sequence change replaces leucine, which is neutral and non-polar, with proline, which is neutral and non-polar, at codon 701 of the MICAL1 protein (p.Leu701Pro). This variant is present in population databases (rs140983959, gnomAD 0.07%), and has an allele count higher than expected for a pathogenic variant. This variant has not been reported in the literature in individuals affected with MICAL1-related conditions. ClinVar contains an entry for this variant (Variation ID: 1347656). An algorithm developed to predict the effect of missense changes on protein structure and function outputs the following: PolyPhen-2: "Benign". The proline amino acid residue is found in multiple mammalian species, which suggests that this missense change does not adversely affect protein function. In summary, the available evidence is currently insufficient to determine the role of this variant in disease. Therefore, it has been classified as a Variant of Uncertain Significance.

Ambry Genetics
Classification: Uncertain significance. Last evaluated: 2021-09-01. Review status: criteria provided, single submitter. Criteria: Ambry Variant Classification Scheme 2023. Collection method: clinical testing. Allele origin: germline.

Breakthrough Genomics
Classification: Uncertain significance. Review status: criteria provided, single submitter. Criteria: ACMG Guidelines, 2015. Collection method: not provided. Allele origin: germline. Inheritance: Unknown mechanism. Affected: yes.

NM_022765.4(MICAL1):c.2045T>C (p.Leu682Pro)

Gene: MICAL1 (microtubule associated monooxygenase, calponin and LIM domain containing 1; minus strand). Cytogenetic location: 6q21.
Variant type: single nucleotide variant.
Coding change: c.2045T>C on transcript NM_022765.4 (MANE Select); coding-DNA position 2045, T replaced by C.
Protein change: p.Leu682Pro; replaces leucine 682 with proline.
Molecular consequence: missense variant.
Genome position (GRCh38, 1-based): chr6:109,447,382, A>G on the plus strand (T>C on the coding strand, the complement: MICAL1 is on the minus strand). VCF-style: chr6-109447382-A-G. GRCh37 (hg19) VCF-style: chr6-109768585-A-G.
Other names: c.1787T>C, p.Leu596Pro (NM_001159291.2); c.2102T>C, p.Leu701Pro (NM_001286613.2); c.2045T>C (NM_022765.3); short protein forms L596P, L701P, L682P.
Identifiers: ClinVar variation 1347656 (VCV001347656.8), dbSNP rs140983959, ClinGen allele CA3953099.